The following is an entry in ClinVar:

NM_006118.4(HAX1):c.466C>T (p.Pro156Ser)

Gene: HAX1 (HCLS1 associated protein X-1; plus strand). Cytogenetic location: 1q21.3.
Variant type: single nucleotide variant.
Coding change: c.466C>T on transcript NM_006118.4 (MANE Select); coding-DNA position 466, C replaced by T.
Protein change: p.Pro156Ser; replaces proline 156 with serine.
Molecular consequence: missense variant.
Genome position (GRCh38, 1-based): chr1:154,273,923, C>T. VCF-style: chr1-154273923-C-T. GRCh37 (hg19) VCF-style: chr1-154246399-C-T.
Other names: c.322C>T, p.Pro108Ser (NM_001018837.2); short protein forms P108S, P156S.
Identifiers: ClinVar variation 3524090 (VCV003524090.1).
Genomic context (GRCh38, chr1:154,273,923, plus strand): 5'-CACCAGCCCAGGATCTTTGGGGGGGTCTTGGAGAGTGATGCAAGAAGTGAATCCCCCCAA[C>T]CAGCACCAGACTGGGGCTCCCAGAGGCCATTTCATAGGGTGAGTATCCCATCTGGTCCTG-3'
Protein context (NP_006109.2, residues 146-166): ESDARSESPQ[Pro156Ser]APDWGSQRPF

ClinVar aggregate classification (germline): Uncertain significance (1 of 4 stars; one submission).

Conditions:
Inborn genetic diseases. Identifiers: MedGen C0950123, MeSH D030342.

Submission:

Ambry Genetics
Classification: Uncertain significance for Inborn genetic diseases. Last evaluated: 2024-11-28. Review status: criteria provided, single submitter. Criteria: Ambry Variant Classification Scheme 2023. Collection method: clinical testing. Allele origin: germline.
Comment: The p.P156S variant (also known as c.466C>T), located in coding exon 3 of the HAX1 gene, results from a C to T substitution at nucleotide position 466. The proline at codon 156 is replaced by serine, an amino acid with similar properties. This amino acid position is conserved. In addition, this alteration is predicted to be tolerated by in silico analysis. Based on the available evidence, the clinical significance of this variant remains unclear.